The following is an entry in ClinVar:

NM_024537.4(CARS2):c.778A>G (p.Ile260Val)

Gene: CARS2 (cysteinyl-tRNA synthetase 2, mitochondrial; minus strand). Cytogenetic location: 13q34.
Variant type: single nucleotide variant.
Coding change: c.778A>G on transcript NM_024537.4 (MANE Select); coding-DNA position 778, A replaced by G.
Protein change: p.Ile260Val; replaces isoleucine 260 with valine.
Molecular consequence: missense variant. On other transcripts: 5 prime UTR variant (1), non-coding transcript variant (2).
Genome position (GRCh38, 1-based): chr13:110,676,981, T>C on the plus strand (A>G on the coding strand, the complement: CARS2 is on the minus strand). VCF-style: chr13-110676981-T-C. GRCh37 (hg19) VCF-style: chr13-111329328-T-C.
Other names: c.-9A>G (NM_001352252.2); c.778A>G, p.Ile260Val (NM_001352253.3); short protein forms I260V.
Identifiers: ClinVar variation 998432 (VCV000998432.8), dbSNP rs1404698696, ClinGen allele CA388735069.
Genomic context (GRCh38, chr13:110,676,981, plus strand): 5'-CAGGCACCAGGGGAACTTGAGCCCCAACCCCCAGGAAGCGGCAGGCACCTTACCTAGCGA[T>C]GGCAGAGCACTCGATGTGCCAGCCCGGCCTCCCGGGTCCCCAGGGAGAGGCCCAGAACAC-3'
Protein context (NP_078813.1, residues 250-270): RPGWHIECSA[Ile260Val]ASMVFGSQLD

ClinVar aggregate classification (germline): Uncertain significance (1 of 4 stars; one submission).

Conditions:
Combined oxidative phosphorylation defect type 27. Also called: Combined oxidative phosphorylation deficiency 27. Identifiers: Orphanet 477774, MedGen C5567608, MONDO:0014728, OMIM 616672.

Allele frequency attached by ClinVar (database versions not stated): gnomAD exomes below 0.00001; gnomAD 0.00001.
gnomAD v4.1: 7 of 1,578,750 alleles (0.00044%); highest among the groups gnomAD compares: African/African-American, 0.0027%; no homozygotes.

Submission:

Labcorp Genetics (formerly Invitae), Labcorp
Classification: Uncertain significance for Combined oxidative phosphorylation defect type 27. Last evaluated: 2020-07-09. Review status: criteria provided, single submitter. Criteria: Invitae Variant Classification Sherloc (09022015). Collection method: clinical testing. Allele origin: germline.
Comment: Algorithms developed to predict the effect of missense changes on protein structure and function (SIFT, PolyPhen-2, Align-GVGD) all suggest that this variant is likely to be tolerated, but these predictions have not been confirmed by published functional studies and their clinical significance is uncertain. This variant has not been reported in the literature in individuals with CARS2-related conditions. This variant is not present in population databases (ExAC no frequency). This sequence change replaces isoleucine with valine at codon 260 of the CARS2 protein (p.Ile260Val). The isoleucine residue is moderately conserved and there is a small physicochemical difference between isoleucine and valine. In summary, the available evidence is currently insufficient to determine the role of this variant in disease. Therefore, it has been classified as a Variant of Uncertain Significance.